The following is an entry in ClinVar:

ClinVar aggregate classification (germline): Uncertain significance (1 of 4 stars; one submission).

Conditions:
Hereditary cancer-predisposing syndrome. Also called: Neoplastic Syndromes, Hereditary; Tumor predisposition; Hereditary neoplastic syndrome; Hereditary Cancer Syndrome. Identifiers: Orphanet 140162, MedGen C0027672, MeSH D009386, MONDO:0015356.

Submission:

Ambry Genetics
Classification: Uncertain significance for Hereditary cancer-predisposing syndrome. Last evaluated: 2026-08-19. Review status: criteria provided, single submitter. Criteria: Ambry Variant Classification Scheme 2023. Collection method: clinical testing. Allele origin: germline.
Comment: The c.5413_5416dupGAGT variant, located in coding exon 41 of the TSC2 gene, results from a duplication of GAGT at nucleotide position 5413, causing a translational frameshift with a predicted alternate stop codon (p.F1806*). This variant occurs at the 3' terminus of the gene, is not expected to trigger nonsense-mediated mRNAdecay, and impacts the last 2 amino acids of the protein. The exact functional effect of this variant is unknown. Based on the available evidence, the clinical significance of this variant remains unclear.

NM_000548.5(TSC2):c.5413_5416dup (p.Phe1806Ter)

Gene: TSC2 (TSC complex subunit 2; plus strand). Cytogenetic location: 16p13.3.
Variant type: Duplication.
Coding change: c.5413_5416dup on transcript NM_000548.5 (MANE Select); coding-DNA positions 5413 to 5416, 4 bases duplicated (GAGT; older notation c.5413_5416dupGAGT).
Protein change: p.Phe1806Ter; replaces phenylalanine 1806 with a stop codon.
Molecular consequence: nonsense. On other transcripts: frameshift variant (1), non-coding transcript variant (5).
Genome position (GRCh38, 1-based): chr16:2,088,599-2,088,602, GAGT duplicated. VCF-style (leftmost placement, unchanged base first): chr16-2088598-C-CGAGT. GRCh37 (hg19) VCF-style: chr16-2138599-C-CGAGT.
Other names: c.5413_5416dupGAGT (NM_000548.3); c.5212_5215dup, p.Phe1739Ter (NM_001077183.3); c.5344_5347dup, p.Phe1783Ter (NM_001114382.3); c.5335_5338dup, p.Phe1780Ter (NM_001406665.1); c.5305_5308dup, p.Phe1770Ter (NM_001406667.1); c.5302_5305dup, p.Phe1769Ter (NM_001406668.1); c.5233_5236dup, p.Phe1746Ter (NM_001406670.1); c.5203_5206dup, p.Phe1736Ter (NM_001406671.1); and 28 more; short protein forms F1314*, F1582*, F1606*, F1702*, F1720*, F1733*, F1740*, F1746*.
Identifiers: ClinVar variation 5031388 (VCV005031388.1).
Genomic context (GRCh38, chr16:2,088,598, plus strand): 5'-CACACCTGGCTATGAGGTGGGCCAGCGGAAGCGCCTCATCTCCTCGGTGGAGGACTTCAC[C>CGAGT]GAGTTTGTGTGAGGCCGGGGCCCTCCCTCCTGCACTGGCCTTGGACGGTATTGCCTGTCA-3'